The following is an entry in ClinVar:

ClinVar aggregate classification (germline): Likely benign (1 of 4 stars; one submission).

Allele frequency attached by ClinVar (database versions not stated): 1000 Genomes Project 30x 0.00297; 1000 Genomes Project 0.00300; gnomAD 0.00325 and 0.00351; TOPMed 0.00356.
gnomAD v4.1: 1,005 of 1,581,600 alleles (0.064%); highest among the groups gnomAD compares: African/African-American, 1.2%; 8 homozygotes.

Submission:

GeneDx
Classification: Likely benign. Last evaluated: 2018-06-16. Review status: criteria provided, single submitter. Criteria: GeneDx Variant Classification (06012015). Collection method: clinical testing. Allele origin: germline. Affected: yes.
Comment: This variant is considered likely benign or benign based on one or more of the following criteria: it is a conservative change, it occurs at a poorly conserved position in the protein, it is predicted to be benign by multiple in silico algorithms, and/or has population frequency not consistent with disease.

NM_001271.4(CHD2):c.2728-55T>C

Gene: CHD2 (chromodomain helicase DNA binding protein 2; plus strand). Cytogenetic location: 15q26.1.
Variant type: single nucleotide variant.
Coding change: c.2728-55T>C on transcript NM_001271.4 (MANE Select); 55 bases into the intron before coding-DNA position 2728, T replaced by C.
Molecular consequence: intron variant.
Genome position (GRCh38, 1-based): chr15:92,979,080, T>C. VCF-style: chr15-92979080-T-C. GRCh37 (hg19) VCF-style: chr15-93522310-T-C.
Identifiers: ClinVar variation 678165 (VCV000678165.1), dbSNP rs74029210, ClinGen allele CA274853890.
Genomic context (GRCh38, chr15:92,979,080, plus strand): 5'-TAAATTCTGTTAAAATTTTCCCCTCTTGGGTTTTGACAGAGCTAATCCTTCTCTCTTTTT[T>C]TGGGGGGGTTGGGGGGTGGTTCAGGCATAAGCATAACAGTTCCTTTTCCTACAGGTAAAT-3'